The following is an entry in ClinVar:

ClinVar aggregate classification (germline): Uncertain significance (1 of 4 stars; one submission).

Conditions:
Mucolipidosis type II. Also called: Mucolipidosis II Alpha/Beta; ML II ALPHA/BETA; Mucolipidosis 2; ML 2; Inclusion cell disease; Leroy Disease. Identifiers: Orphanet 576, MedGen C2673377, MONDO:0009650, OMIM 252500.
Pseudo-Hurler polydystrophy. Also called: ML III; ML III ALPHA/BETA; Type III Mucolipidosis; ML IIIA; Mucolipidosis III Alpha/Beta; MUCOLIPIDOSIS IIIA. Identifiers: Orphanet 423461, Orphanet 577, MedGen C0033788, MONDO:0018931, OMIM 252600.

gnomAD v4.1: 8 of 1,613,084 alleles (0.0005%); highest among the groups gnomAD compares: Admixed American, 0.0017%; no homozygotes.

Submission:

Labcorp Genetics (formerly Invitae), Labcorp
Classification: Uncertain significance for Pseudo-Hurler polydystrophy; Mucolipidosis type II. Last evaluated: 2025-01-22. Review status: criteria provided, single submitter. Criteria: Invitae Variant Classification Sherloc (09022015). Collection method: clinical testing. Allele origin: germline.
Comment: This sequence change falls in intron 12 of the GNPTAB gene. It does not directly change the encoded amino acid sequence of the GNPTAB protein. It affects a nucleotide within the consensus splice site. This variant is not present in population databases (gnomAD no frequency). This variant has not been reported in the literature in individuals affected with GNPTAB-related conditions. Variants that disrupt the consensus splice site are a relatively common cause of aberrant splicing (PMID: 17576681, 9536098). Algorithms developed to predict the effect of sequence changes on RNA splicing suggest that this variant may disrupt the consensus splice site. In summary, the available evidence is currently insufficient to determine the role of this variant in disease. Therefore, it has been classified as a Variant of Uncertain Significance.

Literature cited by the submitters: PubMed 17576681; PubMed 9536098.

NM_024312.5(GNPTAB):c.1612+5G>A

Gene: GNPTAB (N-acetylglucosamine-1-phosphate transferase subunits alpha and beta; minus strand). Cytogenetic location: 12q23.2.
Variant type: single nucleotide variant.
Coding change: c.1612+5G>A on transcript NM_024312.5 (MANE Select); 5 bases into the intron after coding-DNA position 1612, G replaced by A.
Molecular consequence: intron variant.
Genome position (GRCh38, 1-based): chr12:101,766,086, C>T on the plus strand (G>A on the coding strand, the complement: GNPTAB is on the minus strand). VCF-style: chr12-101766086-C-T. GRCh37 (hg19) VCF-style: chr12-102159864-C-T.
Identifiers: ClinVar variation 3762804 (VCV003762804.1).